The following is an entry in ClinVar:

NM_000421.5(KRT10):c.1482T>C (p.Ser494=)

Gene: KRT10 (keratin 10; minus strand). Cytogenetic location: 17q21.2.
Variant type: single nucleotide variant.
Coding change: c.1482T>C on transcript NM_000421.5 (MANE Select); coding-DNA position 1482, T replaced by C.
Protein change: p.Ser494=; no amino-acid change (serine 494 retained).
Molecular consequence: synonymous variant.
Genome position (GRCh38, 1-based): chr17:40,819,053, A>G on the plus strand (T>C on the coding strand, the complement: KRT10 is on the minus strand). VCF-style: chr17-40819053-A-G. GRCh37 (hg19) VCF-style: chr17-38975305-A-G.
Other names: c.1482T>C, p.Ser494= (NM_001379366.1); c.1482T>C (NM_000421.3).
Identifiers: ClinVar variation 2702600 (VCV002702600.4), dbSNP rs1430196877, ClinGen allele CA499971941.

ClinVar aggregate classification (germline): Likely benign. Review status: criteria provided, single submitter (1 of 4 stars). 2 submissions from 2 submitters: Likely benign (1). 1 of the submissions does not count toward it. Last evaluated 2025-09-25.

Conditions:
KRT10-related disorder. Also called: KRT10-related condition.

Allele frequency attached by ClinVar (database versions not stated): gnomAD 0.00003.

Submissions (2):

Labcorp Genetics (formerly Invitae), Labcorp
Classification: Likely benign. Last evaluated: 2025-09-25. Review status: criteria provided, single submitter. Criteria: Invitae Variant Classification Sherloc (09022015). Collection method: clinical testing. Allele origin: germline.

PreventionGenetics, part of Exact Sciences
Classification: Likely benign for KRT10-related condition. Last evaluated: 2019-07-11. Review status: no assertion criteria provided. Collection method: clinical testing. Allele origin: germline. Not counted in ClinVar's aggregate classification.
Comment: This variant is classified as likely benign based on ACMG/AMP sequence variant interpretation guidelines (Richards et al. 2015 PMID: 25741868, with internal and published modifications).